The following is an entry in ClinVar:

NM_000066.4(C8B):c.61G>T (p.Ala21Ser)

Gene: C8B (complement C8 beta chain; minus strand). Cytogenetic location: 1p32.2.
Variant type: single nucleotide variant.
Coding change: c.61G>T on transcript NM_000066.4 (MANE Select); coding-DNA position 61, G replaced by T.
Protein change: p.Ala21Ser; replaces alanine 21 with serine.
Molecular consequence: missense variant. On other transcripts: 5 prime UTR variant (2).
Genome position (GRCh38, 1-based): chr1:56,965,888, C>A on the plus strand (G>T on the coding strand, the complement: C8B is on the minus strand). VCF-style: chr1-56965888-C-A. GRCh37 (hg19) VCF-style: chr1-57431561-C-A.
Other names: c.-318G>T (NM_001278543.2); c.-255G>T (NM_001278544.2); short protein forms A21S.
Identifiers: ClinVar variation 1346190 (VCV001346190.6), dbSNP rs1233092970, ClinGen allele CA340514785.

ClinVar aggregate classification (germline): Uncertain significance (1 of 4 stars; one submission).

Submission:

Labcorp Genetics (formerly Invitae), Labcorp
Classification: Uncertain significance. Last evaluated: 2021-10-21. Review status: criteria provided, single submitter. Criteria: Invitae Variant Classification Sherloc (09022015). Collection method: clinical testing. Allele origin: germline.
Comment: This sequence change replaces alanine with serine at codon 21 of the C8B protein (p.Ala21Ser). The alanine residue is moderately conserved and there is a moderate physicochemical difference between alanine and serine. This variant is not present in population databases (ExAC no frequency). This variant has not been reported in the literature in individuals affected with C8B-related conditions. Algorithms developed to predict the effect of missense changes on protein structure and function (SIFT, PolyPhen-2, Align-GVGD) all suggest that this variant is likely to be tolerated. In summary, the available evidence is currently insufficient to determine the role of this variant in disease. Therefore, it has been classified as a Variant of Uncertain Significance.